The following is an entry in ClinVar:

ClinVar aggregate classification (germline): Uncertain significance (1 of 4 stars; one submission).

Conditions:
Inborn genetic diseases. Identifiers: MedGen C0950123, MeSH D030342.

gnomAD v4.1: 1 of 1,613,986 alleles (0.000062%); highest among the groups gnomAD compares: Non-Finnish European, 0.000085%; no homozygotes.

Submission:

Ambry Genetics
Classification: Uncertain significance for Inborn genetic diseases. Last evaluated: 2025-05-05. Review status: criteria provided, single submitter. Criteria: Ambry Variant Classification Scheme 2023. Collection method: clinical testing. Allele origin: germline.
Comment: The p.L341P variant (also known as c.1022T>C), located in coding exon 1 of the SAMD9 gene, results from a T to C substitution at nucleotide position 1022. The leucine at codon 341 is replaced by proline, an amino acid with similar properties. This amino acid position is conserved. In addition, this alteration is predicted to be tolerated by in silico analysis. Based on the available evidence, the clinical significance of this variant remains unclear.

NM_017654.4(SAMD9):c.1022T>C (p.Leu341Pro)

Gene: SAMD9 (sterile alpha motif domain containing 9; minus strand). Cytogenetic location: 7q21.2.
Variant type: single nucleotide variant.
Coding change: c.1022T>C on transcript NM_017654.4 (MANE Select); coding-DNA position 1022, T replaced by C.
Protein change: p.Leu341Pro; replaces leucine 341 with proline.
Molecular consequence: missense variant.
Genome position (GRCh38, 1-based): chr7:93,105,076, A>G on the plus strand (T>C on the coding strand, the complement: SAMD9 is on the minus strand). VCF-style: chr7-93105076-A-G. GRCh37 (hg19) VCF-style: chr7-92734389-A-G.
Other names: c.1022T>C, p.Leu341Pro (NM_001193307.2); short protein forms L341P.
Identifiers: ClinVar variation 3949606 (VCV003949606.1).
Genomic context (GRCh38, chr7:93,105,076, plus strand): 5'-GCTCTGAAATCAACTTTATTTTTCGTAATGTCCTTAGAGCTGGTCCCATCTCGCACAAAT[A>G]GTGAGAATTTTTTACTTTGTTCCCATATTTTGTTGTTGTAATTTTGCATTTTAATCTGGA-3'
Protein context (NP_060124.2, residues 331-351): KIWEQSKKFS[Leu341Pro]FVRDGTSSKD